The following is an entry in ClinVar:

ClinVar aggregate classification (germline): Conflicting classifications of pathogenicity. Review status: criteria provided, conflicting classifications (1 of 4 stars). 13 submissions from 11 submitters: Likely pathogenic (5); Uncertain significance (7). 1 of the submissions does not count toward it. Last evaluated 2025-08-15.

Conditions:
Pendred syndrome (PDS). Also called: DEAFNESS WITH GOITER; GOITER-DEAFNESS SYNDROME; HYPOTHYROIDISM, CONGENITAL, DUE TO DYSHORMONOGENESIS, 2B; Pendred Syndrome (PDS); Pendred's syndrome; THYROID DYSHORMONOGENESIS 2B. Identifiers: Orphanet 705, MedGen C0271829, MONDO:0010134, OMIM 274600.
Autosomal recessive nonsyndromic hearing loss 4 (DFNB4). Also called: FOXI1-Related Pendred Syndrome; KCNJ10-Related Pendred Syndrome; NEUROSENSORY NONSYNDROMIC RECESSIVE DEAFNESS 4; Nonsyndromic enlarged vestibular aqueduct (NSEVA); Deafness, autosomal recessive 4, with enlarged vestibular aqueduct; Deafness, autosomal recessive 4. Identifiers: Orphanet 90636, MedGen C3538946, MONDO:0010933, OMIM 600791.

Allele frequency attached by ClinVar (database versions not stated): gnomAD 0.00008 and 0.00010; TOPMed 0.00009.
gnomAD v4.1: 51 of 1,601,618 alleles (0.0032%); highest among the groups gnomAD compares: African/African-American, 0.017%; no homozygotes.

Submissions (13):

Women's Health and Genetics/Laboratory Corporation of America, LabCorp
Classification: Likely pathogenic for Pendred syndrome. Last evaluated: 2025-08-15. Review status: criteria provided, single submitter. Criteria: LabCorp Variant Classification Summary - May 2015. Collection method: clinical testing. Allele origin: germline.
Comment: Variant summary: SLC26A4 c.2029C>T (p.Arg677Trp) results in a non-conservative amino acid change located in the STAS domain (IPR002645) of the encoded protein sequence. Algorithms developed to predict the effect of missense changes on protein structure and function are either unavailable or do not agree on the potential impact of this missense change. The variant allele was found at a frequency of 4e-05 in 250908 control chromosomes. This frequency is not significantly higher than estimated for a pathogenic variant in SLC26A4 causing Pendred Syndrome (4e-05 vs 0.0035), allowing no conclusion about variant significance. c.2029C>T has been reported in the literature in individuals affected with mild to severe bilateral hearing loss or congenital hypothyroidism (e.g. Jalkh_2019, Wu_2022, Wang_2020). To our knowledge, no experimental evidence demonstrating an impact on protein function has been reported. The following publications have been ascertained in the context of this evaluation (PMID: 30665423, 32425884, 35249537). ClinVar contains an entry for this variant (Variation ID: 179690). Based on the evidence outlined above, the variant was classified as likely pathogenic.

First Genomix Gene Laboratory, Genetic Diagnostics Department
Classification: Likely pathogenic for Autosomal recessive nonsyndromic hearing loss 4; Pendred syndrome. Last evaluated: 2025-06-04. Review status: criteria provided, single submitter. Criteria: ACMG Guidelines, 2015. Collection method: clinical testing. Allele origin: germline. Inheritance: Autosomal recessive inheritance. Affected: no. Observed: 1 variant allele.

Dasa
Classification: Likely pathogenic. Last evaluated: 2025-04-22. Review status: criteria provided, single submitter. Criteria: DASA Assertion Criteria. Collection method: clinical testing. Allele origin: germline.
Comment: NM_000441.2(SLC26A4):c.2029C>T (p.Arg677Trp) is a missense variant that results in the substitution of arginine with tryptophan. Segregation data support an association with disease in the reported family/families (PMID: 35249537; PMID: 32425884). This variant has been recurrently observed in individuals with SLC26A4-related disorders (PMID: 35249537; PMID: 32425884). Functional evidence supports an impact on the gene or gene product (PMID: 35249537; PMID: 32425884). Also, this variant is rare in population databases. Based on the currently available evidence, this variant is classified as likely pathogenic.

Institute of Rare Diseases, West China Hospital, Sichuan University
Classification: Likely pathogenic for Autosomal recessive nonsyndromic hearing loss 4. Last evaluated: 2025-01-09. Review status: criteria provided, single submitter. Criteria: ClinGen HL ACMG Specifications v1. Collection method: research. Allele origin: germline. Affected: yes.

Labcorp Genetics (formerly Invitae), Labcorp
Classification: Likely pathogenic. Last evaluated: 2024-02-01. Review status: criteria provided, single submitter. Criteria: Invitae Variant Classification Sherloc (09022015). Collection method: clinical testing. Allele origin: germline.
Comment: This sequence change replaces arginine, which is basic and polar, with tryptophan, which is neutral and slightly polar, at codon 677 of the SLC26A4 protein (p.Arg677Trp). This variant is present in population databases (rs397516426, gnomAD 0.02%). This missense change has been observed in individual(s) with bilateral deafness with enlarged vestibular aqueducts (PMID: 35249537). In at least one individual the data is consistent with being in trans (on the opposite chromosome) from a pathogenic variant. It has also been observed to segregate with disease in related individuals. ClinVar contains an entry for this variant (Variation ID: 179690). Advanced modeling of protein sequence and biophysical properties (such as structural, functional, and spatial information, amino acid conservation, physicochemical variation, residue mobility, and thermodynamic stability) has been performed at Invitae for this missense variant, however the output from this modeling did not meet the statistical confidence thresholds required to predict the impact of this variant on SLC26A4 protein function. In summary, the currently available evidence indicates that the variant is pathogenic, but additional data are needed to prove that conclusively. Therefore, this variant has been classified as Likely Pathogenic.

Fulgent Genetics
Classification: Uncertain significance for Pendred syndrome; Autosomal recessive nonsyndromic hearing loss 4. Last evaluated: 2022-02-14. Review status: criteria provided, single submitter. Criteria: ACMG Guidelines, 2015. Collection method: clinical testing. Allele origin: unknown.

GeneDx
Classification: Uncertain significance. Last evaluated: 2022-01-31. Review status: criteria provided, single submitter. Criteria: GeneDx Variant Classification Process June 2021. Collection method: clinical testing. Allele origin: germline. Affected: yes.
Comment: In silico analysis supports that this missense variant has a deleterious effect on protein structure/function; Has not been previously published as pathogenic or benign in association with and SLC26A4-related disorder to our knowledge; This variant is associated with the following publications: (PMID: 32425884)

Genome-Nilou Lab
Classification: Uncertain significance for Autosomal recessive nonsyndromic hearing loss 4. Last evaluated: 2021-09-05. Review status: criteria provided, single submitter. Criteria: ACMG Guidelines, 2015. Collection method: clinical testing. Allele origin: germline. Affected: no.

Genome-Nilou Lab
Classification: Uncertain significance for Pendred syndrome. Last evaluated: 2021-09-05. Review status: criteria provided, single submitter. Criteria: ACMG Guidelines, 2015. Collection method: clinical testing. Allele origin: germline. Affected: no.

Illumina Laboratory Services, Illumina
Classification: Uncertain significance for Autosomal recessive nonsyndromic hearing loss 4. Last evaluated: 2018-01-13. Review status: criteria provided, single submitter. Criteria: ICSL Variant Classification Criteria 13 December 2019. Collection method: clinical testing. Allele origin: germline.

Illumina Laboratory Services, Illumina
Classification: Uncertain significance for Pendred syndrome. Last evaluated: 2018-01-13. Review status: criteria provided, single submitter. Criteria: ICSL Variant Classification Criteria 13 December 2019. Collection method: clinical testing. Allele origin: germline.

Laboratory for Molecular Medicine, Mass General Brigham Personalized Medicine
Classification: Uncertain significance. Last evaluated: 2014-03-21. Review status: criteria provided, single submitter. Criteria: LMM Criteria. Collection method: clinical testing. Allele origin: germline. Observed: 1 variant allele.
Comment: The Arg677Trp variant in SLC26A4 has not been reported in individuals with heari ng loss or in large population studies. Computational prediction tools and conse rvation analysis do not provide strong support for or against an impact to the p rotein. Additional information is needed to fully assess the clinical significan ce of the Arg677Trp variant.

Natera, Inc.
Classification: Uncertain significance for Pendred syndrome. Last evaluated: 2020-02-11. Review status: no assertion criteria provided. Collection method: clinical testing. Allele origin: germline. Not counted in ClinVar's aggregate classification.

Literature cited by the submitters: PubMed 32425884 (cited by Women's Health and Genetics/Laboratory Corporation of America, LabCorp and Dasa); PubMed 30665423 (cited by Women's Health and Genetics/Laboratory Corporation of America, LabCorp); PubMed 35249537 (cited by 3 submitters).

NM_000441.2(SLC26A4):c.2029C>T (p.Arg677Trp)

Gene: SLC26A4 (solute carrier family 26 member 4; plus strand). Cytogenetic location: 7q22.3.
Variant type: single nucleotide variant.
Coding change: c.2029C>T on transcript NM_000441.2 (MANE Select); coding-DNA position 2029, C replaced by T.
Protein change: p.Arg677Trp; replaces arginine 677 with tryptophan.
Molecular consequence: missense variant.
Genome position (GRCh38, 1-based): chr7:107,702,052, C>T. VCF-style: chr7-107702052-C-T. GRCh37 (hg19) VCF-style: chr7-107342497-C-T.
Other names: short protein forms R677W.
Identifiers: ClinVar variation 179690 (VCV000179690.25), dbSNP rs397516426, ClinGen allele CA184942.